The following is an entry in ClinVar:

ClinVar aggregate classification (germline): Uncertain significance. Review status: criteria provided, multiple submitters, no conflicts (2 of 4 stars). 4 submissions from 4 submitters: Uncertain significance (4). Last evaluated 2025-05-27.

Conditions:
Neuroblastoma, susceptibility to, 2. Identifiers: Orphanet 635, MedGen C2751682, MONDO:0700041, OMIM 613013.
Central hypoventilation syndrome, congenital, 1, with or without Hirschsprung disease (CCHS1). Also called: Congenital Central Hypoventilation Syndrome (CCHS); CENTRAL HYPOVENTILATION SYNDROME, CONGENITAL, 1; Central hypoventilation syndrome, congenital, 1, with or without Hirschsprung; AUTONOMIC CONTROL, CONGENITAL FAILURE OF; ONDINE CURSE, CONGENITAL. Identifiers: Orphanet 661, MedGen C5562075, MONDO:0800026, OMIM 209880.
Haddad syndrome (OHD). Also called: Ondine-Hirschsprung disease. Identifiers: Orphanet 99803, MedGen C1859049, MONDO:0020493.
Hereditary cancer-predisposing syndrome. Also called: Hereditary Cancer Syndrome; Tumor predisposition; Hereditary neoplastic syndrome; Neoplastic Syndromes, Hereditary. Identifiers: Orphanet 140162, MedGen C0027672, MeSH D009386, MONDO:0015356.

Submissions (4):

Department of Paediatrics at Addenbrookes, Cambridge University Hospitals NHS Foundation Trust (UK)
Classification: Uncertain significance for Central hypoventilation syndrome, congenital, 1, with or without Hirschsprung disease. Last evaluated: 2025-05-27. Review status: criteria provided, single submitter. Criteria: Durkie Uk Practice Guidelines For Variant Classification V12 2024 (1). Collection method: clinical testing. Allele origin: unknown.
Comment: PM2_Moderate; BP4_Supporting

Ambry Genetics
Classification: Uncertain significance for Hereditary cancer-predisposing syndrome. Last evaluated: 2024-09-09. Review status: criteria provided, single submitter. Criteria: Ambry Variant Classification Scheme 2023. Collection method: clinical testing. Allele origin: germline.
Comment: The c.648_650dupCGG variant (also known as p.G217dup), located in coding exon 3 of the PHOX2B gene, results from an in-frame duplication of CGG at nucleotide positions 648 to 650. This results in the duplication of an extra glycine residue between codons 217 and 218. This amino acid position is well conserved in available vertebrate species. In addition, this alteration is predicted to be neutral by in silico analysis (Choi Y et al. PLoS ONE. 2012; 7(10):e46688). Based on the available evidence, the clinical significance of this variant remains unclear.

Labcorp Genetics (formerly Invitae), Labcorp
Classification: Uncertain significance for Haddad syndrome. Last evaluated: 2023-01-20. Review status: criteria provided, single submitter. Criteria: Invitae Variant Classification Sherloc (09022015). Collection method: clinical testing. Allele origin: germline.
Comment: ClinVar contains an entry for this variant (Variation ID: 646058). In summary, the available evidence is currently insufficient to determine the role of this variant in disease. Therefore, it has been classified as a Variant of Uncertain Significance. Experimental studies and prediction algorithms are not available or were not evaluated, and the functional significance of this variant is currently unknown. This variant has not been reported in the literature in individuals affected with PHOX2B-related conditions. This variant is present in population databases (no rsID available, gnomAD 0.002%). This variant, c.648_650dup, results in the insertion of 1 amino acid(s) of the PHOX2B protein (p.Gly217dup), but otherwise preserves the integrity of the reading frame.

Fulgent Genetics
Classification: Uncertain significance for Central hypoventilation syndrome, congenital, 1, with or without Hirschsprung disease; Neuroblastoma, susceptibility to, 2. Last evaluated: 2022-03-01. Review status: criteria provided, single submitter. Criteria: ACMG Guidelines, 2015. Collection method: clinical testing. Allele origin: unknown.

NM_003924.4(PHOX2B):c.639CGG[5] (p.Gly217dup)

Gene: PHOX2B (paired like homeobox 2B; minus strand). Cytogenetic location: 4p13.
Variant type: Microsatellite.
Coding change: c.639CGG[5] on transcript NM_003924.4 (MANE Select); five copies in a row of the 3-base unit CGG starting at c.639; the reference has four copies in a row; one copy, 3 bases duplicated; also written c.648_650dup.
Protein change: p.Gly217dup; duplicates glycine 217.
Molecular consequence: inframe insertion.
Genome position (GRCh38, 1-based): chr4:41,746,102-41,746,104, CCG duplicated on the plus strand (CGG on the coding strand, the reverse complement: PHOX2B is on the minus strand); duplicating any 3 consecutive bases within chr4:41,746,102-41,746,115 gives the same sequence; the position shown is the placement nearest the transcript's 3' end. VCF-style (leftmost placement, unchanged base first): chr4-41746101-C-CCCG. GRCh37 (hg19) VCF-style: chr4-41748118-C-CCCG.
Other names: c.648_650dup (NM_003924.4); c.648_650dupCGG (NM_003924.3).
Identifiers: ClinVar variation 646058 (VCV000646058.15), dbSNP rs760638643, ClinGen allele CA551141141.